The following is an entry in ClinVar:

ClinVar aggregate classification (germline): Uncertain significance (1 of 4 stars; one submission).

Conditions:
TRIO-related disorder. Also called: TRIO-related disorders; TRIO-related condition.

Submission:

GeneDx
Classification: Uncertain significance. Last evaluated: 2019-06-05. Review status: criteria provided, single submitter. Criteria: GeneDx Variant Classification Process June 2021. Collection method: clinical testing. Allele origin: germline. Affected: yes.
Comment: Not observed in large population cohorts (Lek et al., 2016); In silico analysis, which includes protein predictors and evolutionary conservation, supports that this variant does not alter protein structure/function; Has not been previously published as pathogenic or benign to our knowledge

NM_007118.4(TRIO):c.5205C>G (p.Asp1735Glu)

Gene: TRIO (trio Rho guanine nucleotide exchange factor; plus strand). Cytogenetic location: 5p15.2.
Variant type: single nucleotide variant.
Coding change: c.5205C>G on transcript NM_007118.4 (MANE Select); coding-DNA position 5205, C replaced by G.
Protein change: p.Asp1735Glu; replaces aspartic acid 1735 with glutamic acid.
Molecular consequence: missense variant. On other transcripts: non-coding transcript variant (1).
Genome position (GRCh38, 1-based): chr5:14,461,020, C>G. VCF-style: chr5-14461020-C-G. GRCh37 (hg19) VCF-style: chr5-14461129-C-G.
Other names: short protein forms D1735E.
Identifiers: ClinVar variation 1219874 (VCV001219874.5), dbSNP rs2126496013, ClinGen allele CA359225975.